The following is an entry in ClinVar:

NM_001134831.2(AHI1):c.2866C>T (p.Pro956Ser)

Gene: AHI1 (Abelson helper integration site 1; minus strand). Cytogenetic location: 6q23.3.
Variant type: single nucleotide variant.
Coding change: c.2866C>T on transcript NM_001134831.2 (MANE Select); coding-DNA position 2866, C replaced by T.
Protein change: p.Pro956Ser; replaces proline 956 with serine.
Molecular consequence: missense variant.
Genome position (GRCh38, 1-based): chr6:135,411,443, G>A on the plus strand (C>T on the coding strand, the complement: AHI1 is on the minus strand). VCF-style: chr6-135411443-G-A. GRCh37 (hg19) VCF-style: chr6-135732581-G-A.
Other names: c.2866C>T, p.Pro956Ser (NM_001134830.2, NM_001134832.2, NM_001350503.2 and 2 more transcripts); short protein forms P956S.
Identifiers: ClinVar variation 2120593 (VCV002120593.3), dbSNP rs2127974171, ClinGen allele CA365846033.

ClinVar aggregate classification (germline): Uncertain significance (1 of 4 stars; one submission).

Conditions:
Joubert syndrome. Also called: CEREBELLOPARENCHYMAL DISORDER IV; JOUBERT-BOLTSHAUSER SYNDROME; Familial aplasia of the vermis. Identifiers: Orphanet 475, MedGen C5979921, MONDO:0018772.

Allele frequency attached by ClinVar (database versions not stated): gnomAD exomes below 0.00001.
gnomAD v4.1: 1 of 1,613,768 alleles (0.000062%); highest among the groups gnomAD compares: Admixed American, 0.0017%; no homozygotes.

Submission:

Labcorp Genetics (formerly Invitae), Labcorp
Classification: Uncertain significance for Joubert syndrome. Last evaluated: 2022-05-15. Review status: criteria provided, single submitter. Criteria: Invitae Variant Classification Sherloc (09022015). Collection method: clinical testing. Allele origin: germline.
Comment: Advanced modeling of protein sequence and biophysical properties (such as structural, functional, and spatial information, amino acid conservation, physicochemical variation, residue mobility, and thermodynamic stability) performed at Invitae indicates that this missense variant is not expected to disrupt AHI1 protein function. In summary, the available evidence is currently insufficient to determine the role of this variant in disease. Therefore, it has been classified as a Variant of Uncertain Significance. This variant has not been reported in the literature in individuals affected with AHI1-related conditions. This variant is not present in population databases (gnomAD no frequency). This sequence change replaces proline, which is neutral and non-polar, with serine, which is neutral and polar, at codon 956 of the AHI1 protein (p.Pro956Ser).